The following is an entry in ClinVar:

ClinVar aggregate classification (germline): Uncertain significance (1 of 4 stars; one submission).

Allele frequency attached by ClinVar (database versions not stated): gnomAD exomes below 0.00001; TOPMed below 0.00001.
gnomAD v4.1: 2 of 1,607,632 alleles (0.00012%); highest among the groups gnomAD compares: Non-Finnish European, 0.00017%; no homozygotes.

Submission:

Labcorp Genetics (formerly Invitae), Labcorp
Classification: Uncertain significance. Last evaluated: 2025-06-30. Review status: criteria provided, single submitter. Criteria: Invitae Variant Classification Sherloc (09022015). Collection method: clinical testing. Allele origin: germline.
Comment: This sequence change replaces valine, which is neutral and non-polar, with alanine, which is neutral and non-polar, at codon 1374 of the COL11A2 protein (p.Val1374Ala). This variant is not present in population databases (gnomAD no frequency). This variant has not been reported in the literature in individuals affected with COL11A2-related conditions. ClinVar contains an entry for this variant (Variation ID: 2180918). Experimental studies and prediction algorithms are not available or were not evaluated, and the functional significance of this variant is currently unknown. In summary, the available evidence is currently insufficient to determine the role of this variant in disease. Therefore, it has been classified as a Variant of Uncertain Significance.

NM_080680.3(COL11A2):c.4121T>C (p.Val1374Ala)

Gene: COL11A2 (collagen type XI alpha 2 chain; minus strand). Cytogenetic location: 6p21.32.
Variant type: single nucleotide variant.
Coding change: c.4121T>C on transcript NM_080680.3 (MANE Select); coding-DNA position 4121, T replaced by C.
Protein change: p.Val1374Ala; replaces valine 1374 with alanine.
Molecular consequence: missense variant.
Genome position (GRCh38, 1-based): chr6:33,167,427, A>G on the plus strand (T>C on the coding strand, the complement: COL11A2 is on the minus strand). VCF-style: chr6-33167427-A-G. GRCh37 (hg19) VCF-style: chr6-33135204-A-G.
Other names: c.3800T>C, p.Val1267Ala (NM_080679.3); c.3863T>C, p.Val1288Ala (NM_080681.3); short protein forms V1288A, V1267A, V1374A.
Identifiers: ClinVar variation 2180918 (VCV002180918.2), dbSNP rs1423640025, ClinGen allele CA363622961.